The following is an entry in ClinVar:

NM_001009944.3(PKD1):c.5800C>T (p.Pro1934Ser)

Gene: PKD1 (polycystin 1, transient receptor potential channel interacting; minus strand). Cytogenetic location: 16p13.3.
Variant type: single nucleotide variant.
Coding change: c.5800C>T on transcript NM_001009944.3 (MANE Select); coding-DNA position 5800, C replaced by T.
Protein change: p.Pro1934Ser; replaces proline 1934 with serine.
Molecular consequence: missense variant.
Genome position (GRCh38, 1-based): chr16:2,109,367, G>A on the plus strand (C>T on the coding strand, the complement: PKD1 is on the minus strand). VCF-style: chr16-2109367-G-A. GRCh37 (hg19) VCF-style: chr16-2159368-G-A.
Other names: c.5800C>T, p.Pro1934Ser (NM_000296.4); short protein forms P1934S.
Identifiers: ClinVar variation 4989445 (VCV004989445.1).

ClinVar aggregate classification (germline): Uncertain significance (1 of 4 stars; one submission).

Conditions:
PKD1-related disorder. Also called: PKD1-related condition.

gnomAD v4.1: 2 of 1,593,362 alleles (0.00013%); highest among the groups gnomAD compares: African/African-American, 0.0013%; no homozygotes.

Submission:

PreventionGenetics, part of Exact Sciences
Classification: Uncertain significance for PKD1-related condition. Last evaluated: 2026-07-31. Review status: criteria provided, single submitter. Criteria: ACMG Guidelines, 2015. Collection method: clinical testing. Allele origin: germline.
Comment: The PKD1 c.5800C>T variant is predicted to result in the amino acid substitution p.Pro1934Ser. To our knowledge, this variant has not been reported in the literature or in a large population database, indicating this variant is rare. At this time, the clinical significance of this variant is uncertain due to the absence of conclusive functional and genetic evidence.